The following is an entry in ClinVar:

NM_182925.5(FLT4):c.3298T>C (p.Phe1100Leu)

Gene: FLT4 (fms related receptor tyrosine kinase 4; minus strand). Cytogenetic location: 5q35.3.
Variant type: single nucleotide variant.
Coding change: c.3298T>C on transcript NM_182925.5 (MANE Select); coding-DNA position 3298, T replaced by C.
Protein change: p.Phe1100Leu; replaces phenylalanine 1100 with leucine.
Molecular consequence: missense variant.
Genome position (GRCh38, 1-based): chr5:180,614,101, A>G on the plus strand (T>C on the coding strand, the complement: FLT4 is on the minus strand). VCF-style: chr5-180614101-A-G. GRCh37 (hg19) VCF-style: chr5-180041101-A-G.
Other names: c.3298T>C, p.Phe1100Leu (NM_001354989.2, NM_002020.5); short protein forms F1100L.
Identifiers: ClinVar variation 1334598 (VCV001334598.4), dbSNP rs2127797353, ClinGen allele CA362500185.

ClinVar aggregate classification (germline): Uncertain significance (1 of 4 stars; one submission).

Submission:

Greenwood Genetic Center Diagnostic Laboratories, Greenwood Genetic Center
Classification: Uncertain significance. Last evaluated: 2021-09-30. Review status: criteria provided, single submitter. Criteria: ACMG Guidelines, 2015. Collection method: clinical testing. Allele origin: germline. Affected: yes.
Comment: PP3, PM1, PM2